The following is an entry in ClinVar:

ClinVar aggregate classification (germline): Pathogenic (1 of 4 stars; one submission).

Conditions:
Angelman syndrome-like. Identifiers: MedGen CN128785.
Developmental and epileptic encephalopathy, 2 (DEE2). Also called: INFANTILE SPASM SYNDROME, X-LINKED 2; CDKL5 deficiency disorder. Identifiers: Orphanet 1934, Orphanet 3451, Orphanet 505652, MedGen C4750718, MONDO:0010396, OMIM 300672.

Submission:

Labcorp Genetics (formerly Invitae), Labcorp
Classification: Pathogenic for Developmental and epileptic encephalopathy, 2; Angelman syndrome-like. Last evaluated: 2021-02-18. Review status: criteria provided, single submitter. Criteria: Invitae Variant Classification Sherloc (09022015). Collection method: clinical testing. Allele origin: germline.
Comment: For these reasons, this variant has been classified as Pathogenic. Advanced modeling of protein sequence and biophysical properties (such as structural, functional, and spatial information, amino acid conservation, physicochemical variation, residue mobility, and thermodynamic stability) performed at Invitae indicates that this missense variant is expected to disrupt CDKL5 protein function. This variant has been observed in individual(s) with clinical features of CDKL5-related conditions (Invitae). In at least one individual the variant was observed to be de novo. This variant is not present in population databases (ExAC no frequency). This sequence change replaces glycine with tryptophan at codon 202 of the CDKL5 protein (p.Gly202Trp). The glycine residue is highly conserved and there is a large physicochemical difference between glycine and tryptophan.

NM_001323289.2(CDKL5):c.604G>T (p.Gly202Trp)

Gene: CDKL5 (cyclin dependent kinase like 5; plus strand). Cytogenetic location: Xp22.13.
Variant type: single nucleotide variant.
Coding change: c.604G>T on transcript NM_001323289.2 (MANE Select); coding-DNA position 604, G replaced by T.
Protein change: p.Gly202Trp; replaces glycine 202 with tryptophan.
Molecular consequence: missense variant.
Genome position (GRCh38, 1-based): chrX:18,588,003, G>T. VCF-style: chrX-18588003-G-T. GRCh37 (hg19) VCF-style: chrX-18606123-G-T.
Other names: c.604G>T, p.Gly202Trp (NM_001037343.2, NM_003159.3); short protein forms G202W.
Identifiers: ClinVar variation 1422104 (VCV001422104.8), dbSNP rs2147148032, ClinGen allele CA412353223.